The following is an entry in ClinVar:

ClinVar aggregate classification (germline): Conflicting classifications of pathogenicity. Review status: criteria provided, conflicting classifications (1 of 4 stars). 3 submissions from 3 submitters: Uncertain significance (1); Likely benign (2). Last evaluated 2024-11-15.

Allele frequency attached by ClinVar (database versions not stated): gnomAD 0.00005; ExAC 0.00007; TOPMed 0.00007; gnomAD exomes 0.00009.
gnomAD v4.1: 142 of 1,612,438 alleles (0.0088%); highest among the groups gnomAD compares: Middle Eastern, 0.17%; 1 homozygote.

Submissions (3):

Blueprint Genetics
Classification: Likely benign. Last evaluated: 2024-11-15. Review status: criteria provided, single submitter. Criteria: ACMG Guidelines, 2015. Collection method: clinical testing. Allele origin: germline.

CeGaT Center for Human Genetics Tuebingen
Classification: Likely benign. Last evaluated: 2024-02-01. Review status: criteria provided, single submitter. Criteria: CeGaT Center For Human Genetics Tuebingen Variant Classification Criteria Version 2. Collection method: clinical testing. Allele origin: germline. Affected: yes. Observed: 2 variant alleles.
Comment: CELSR3: BP4

Ambry Genetics
Classification: Uncertain significance. Last evaluated: 2021-12-20. Review status: criteria provided, single submitter. Criteria: Ambry Variant Classification Scheme 2023. Collection method: clinical testing. Allele origin: germline.

NM_001407.3(CELSR3):c.133G>A (p.Gly45Ser)

Gene: CELSR3 (cadherin EGF LAG seven-pass G-type receptor 3; minus strand). Cytogenetic location: 3p21.31.
Variant type: single nucleotide variant.
Coding change: c.133G>A on transcript NM_001407.3 (MANE Select); coding-DNA position 133, G replaced by A.
Protein change: p.Gly45Ser; replaces glycine 45 with serine.
Molecular consequence: missense variant.
Genome position (GRCh38, 1-based): chr3:48,662,502, C>T on the plus strand (G>A on the coding strand, the complement: CELSR3 is on the minus strand). VCF-style: chr3-48662502-C-T. GRCh37 (hg19) VCF-style: chr3-48699935-C-T.
Other names: short protein forms G45S.
Identifiers: ClinVar variation 2345222 (VCV002345222.25), dbSNP rs754249488, ClinGen allele CA2385670.